The following is an entry in ClinVar:

NM_014889.4(PITRM1):c.1064C>G (p.Ser355Cys)

Gene: PITRM1 (pitrilysin metallopeptidase 1; minus strand). Cytogenetic location: 10p15.2.
Variant type: single nucleotide variant.
Coding change: c.1064C>G on transcript NM_014889.4 (MANE Select); coding-DNA position 1064, C replaced by G.
Protein change: p.Ser355Cys; replaces serine 355 with cysteine.
Molecular consequence: missense variant. On other transcripts: 5 prime UTR variant (1), non-coding transcript variant (4).
Genome position (GRCh38, 1-based): chr10:3,158,986, G>C on the plus strand (C>G on the coding strand, the complement: PITRM1 is on the minus strand). VCF-style: chr10-3158986-G-C. GRCh37 (hg19) VCF-style: chr10-3201178-G-C.
Other names: c.1064C>G (NM_001242307.1); c.968C>G, p.Ser323Cys (NM_001242309.1); c.1064C>G, p.Ser355Cys (NM_001242307.2, NM_001347725.2); c.449C>G, p.Ser150Cys (NM_001347726.2, NM_001347727.2); c.-237C>G (NM_001347728.2); c.1040C>G, p.Ser347Cys (NM_001347729.1, NM_001347730.1); short protein forms S347C, S150C, S323C, S355C.
Identifiers: ClinVar variation 790078 (VCV000790078.10), dbSNP rs34854792, ClinGen allele CA5387945.

ClinVar aggregate classification (germline): Benign. Review status: criteria provided, multiple submitters, no conflicts (2 of 4 stars). 3 submissions from 3 submitters: Benign (2). 1 of the submissions does not count toward it. Last evaluated 2026-01-28.

Conditions:
PITRM1-related disorder. Also called: PITRM1-related condition.

Allele frequency attached by ClinVar (database versions not stated): ESP Exome Variant Server 0.00350; TOPMed 0.00561; 1000 Genomes Project 30x 0.00578; ExAC 0.00161; gnomAD 0.00459; 1000 Genomes Project 0.00499.
gnomAD v4.1: 1,482 of 1,613,534 alleles (0.092%); highest among the groups gnomAD compares: African/African-American, 1.7%; 19 homozygotes.

Submissions (3):

Labcorp Genetics (formerly Invitae), Labcorp
Classification: Benign. Last evaluated: 2026-01-28. Review status: criteria provided, single submitter. Criteria: Invitae Variant Classification Sherloc (09022015). Collection method: clinical testing. Allele origin: germline.

Breakthrough Genomics
Classification: Benign. Review status: criteria provided, single submitter. Criteria: ACMG Guidelines, 2015. Collection method: not provided. Allele origin: germline. Inheritance: Autosomal recessive inheritance. Affected: yes.

PreventionGenetics, part of Exact Sciences
Classification: Benign for PITRM1-related condition. Last evaluated: 2019-11-06. Review status: no assertion criteria provided. Collection method: clinical testing. Allele origin: germline. Not counted in ClinVar's aggregate classification.
Comment: This variant is classified as benign based on ACMG/AMP sequence variant interpretation guidelines (Richards et al. 2015 PMID: 25741868, with internal and published modifications).